The following is an entry in ClinVar:

NM_000051.4(ATM):c.4906C>G (p.Gln1636Glu)

Gene: ATM (ATM serine/threonine kinase; plus strand). Cytogenetic location: 11q22.3.
Variant type: single nucleotide variant.
Coding change: c.4906C>G on transcript NM_000051.4 (MANE Select); coding-DNA position 4906, C replaced by G.
Protein change: p.Gln1636Glu; replaces glutamine 1636 with glutamic acid.
Molecular consequence: missense variant.
Genome position (GRCh38, 1-based): chr11:108,295,056, C>G. VCF-style: chr11-108295056-C-G. GRCh37 (hg19) VCF-style: chr11-108165783-C-G.
Other names: c.4906C>G, p.Gln1636Glu (NM_001351834.2); short protein forms Q1636E.
Identifiers: ClinVar variation 2810678 (VCV002810678.3), dbSNP rs1060501627, ClinGen allele CA382537303.

ClinVar aggregate classification (germline): Uncertain significance (1 of 4 stars; one submission).

Conditions:
Ataxia-telangiectasia syndrome (AT). Also called: Ataxia-telangiectasia, complementation group E; ATAXIA-TELANGIECTASIA, COMPLEMENTATION GROUP A; ATAXIA-TELANGIECTASIA, FRESNO VARIANT; Ataxia-telangiectasia; LOUIS-BAR SYNDROME; Ataxia-telangiectasia, complementation group D. Identifiers: Orphanet 100, MedGen C0004135, MONDO:0008840, OMIM 208900.

Allele frequency attached by ClinVar (database versions not stated): TOPMed 0.00001.

Submission:

Labcorp Genetics (formerly Invitae), Labcorp
Classification: Uncertain significance for Ataxia-telangiectasia syndrome. Last evaluated: 2022-11-22. Review status: criteria provided, single submitter. Criteria: Invitae Variant Classification Sherloc (09022015). Collection method: clinical testing. Allele origin: germline.
Comment: This sequence change replaces glutamine, which is neutral and polar, with glutamic acid, which is acidic and polar, at codon 1636 of the ATM protein (p.Gln1636Glu). This variant is not present in population databases (gnomAD no frequency). This variant has not been reported in the literature in individuals affected with ATM-related conditions. Algorithms developed to predict the effect of missense changes on protein structure and function (SIFT, PolyPhen-2, Align-GVGD) all suggest that this variant is likely to be tolerated. In summary, the available evidence is currently insufficient to determine the role of this variant in disease. Therefore, it has been classified as a Variant of Uncertain Significance.